The following is an entry in ClinVar:

ClinVar aggregate classification (germline): Pathogenic. Review status: criteria provided, single submitter (1 of 4 stars). 2 submissions from 2 submitters: Pathogenic (1). 1 of the submissions does not count toward it. Last evaluated 2023-04-16.

Conditions:
Finnish congenital nephrotic syndrome (NPHS1). Also called: NEPHROTIC SYNDROME, TYPE 1. Identifiers: Orphanet 839, MedGen C0403399, MONDO:0009732, OMIM 256300.

Allele frequency attached by ClinVar (database versions not stated): gnomAD exomes below 0.00001; TOPMed below 0.00001.
gnomAD v4.1: 1 of 1,613,742 alleles (0.000062%); highest among the groups gnomAD compares: Non-Finnish European, 0.000085%; no homozygotes.

Submissions (2):

Labcorp Genetics (formerly Invitae), Labcorp
Classification: Pathogenic. Last evaluated: 2023-04-16. Review status: criteria provided, single submitter. Criteria: Invitae Variant Classification Sherloc (09022015). Collection method: clinical testing. Allele origin: germline.
Comment: For these reasons, this variant has been classified as Pathogenic. Algorithms developed to predict the effect of sequence changes on RNA splicing suggest that this variant may create or strengthen a splice site. This variant has not been reported in the literature in individuals affected with NPHS1-related conditions. This variant is not present in population databases (gnomAD no frequency). This sequence change creates a premature translational stop signal (p.Tyr479*) in the NPHS1 gene. It is expected to result in an absent or disrupted protein product. Loss-of-function variants in NPHS1 are known to be pathogenic (PMID: 11317351, 11854170, 12039988).

Natera, Inc.
Classification: Pathogenic for Finnish congenital nephrotic syndrome. Last evaluated: 2025-05-08. Review status: no assertion criteria provided. Collection method: clinical testing. Allele origin: germline. Not counted in ClinVar's aggregate classification.

Literature cited by the submitters: PubMed 11317351 (cited by Labcorp Genetics (formerly Invitae), Labcorp); PubMed 11854170 (cited by Labcorp Genetics (formerly Invitae), Labcorp); PubMed 12039988 (cited by Labcorp Genetics (formerly Invitae), Labcorp).

NM_004646.4(NPHS1):c.1437C>G (p.Tyr479Ter)

Gene: NPHS1 (NPHS1 adhesion molecule, nephrin; minus strand). Cytogenetic location: 19q13.12.
Variant type: single nucleotide variant.
Coding change: c.1437C>G on transcript NM_004646.4 (MANE Select); coding-DNA position 1437, C replaced by G.
Protein change: p.Tyr479Ter; replaces tyrosine 479 with a stop codon.
Molecular consequence: nonsense.
Genome position (GRCh38, 1-based): chr19:35,848,044, G>C on the plus strand (C>G on the coding strand, the complement: NPHS1 is on the minus strand). VCF-style: chr19-35848044-G-C. GRCh37 (hg19) VCF-style: chr19-36338946-G-C.
Other names: short protein forms Y479*.
Identifiers: ClinVar variation 3016095 (VCV003016095.4), dbSNP rs1973169054, ClinGen allele CA405403504.